The following is an entry in ClinVar:

NM_000089.4(COL1A2):c.2835+1G>A

Gene: COL1A2 (collagen type I alpha 2 chain; plus strand). Cytogenetic location: 7q21.3.
Variant type: single nucleotide variant.
Coding change: c.2835+1G>A on transcript NM_000089.4 (MANE Select); the canonical splice donor site of the intron after coding-DNA position 2835, G replaced by A.
Molecular consequence: splice donor variant.
Genome position (GRCh38, 1-based): chr7:94,425,664, G>A. VCF-style: chr7-94425664-G-A. GRCh37 (hg19) VCF-style: chr7-94054976-G-A.
Other names: c.2835+1G>A (LRG_2t1).
Identifiers: ClinVar variation 425653 (VCV000425653.11), dbSNP rs72659310, ClinGen allele CA162939788.

ClinVar aggregate classification (germline): Pathogenic. Review status: criteria provided, multiple submitters, no conflicts (2 of 4 stars). 5 submissions from 4 submitters: Pathogenic (2). 3 of the submissions do not count toward it. Last evaluated 2025-07-16.

Conditions:
Osteogenesis imperfecta type I (OI1). Also called: OI, TYPE I; OSTEOGENESIS IMPERFECTA TARDA; OSTEOGENESIS IMPERFECTA WITH BLUE SCLERAE; Classic Non-deforming Osteogenesis Imperfecta with Blue Sclerae; Lobstein disease; Osteogenesis imperfecta type 1. Identifiers: Orphanet 216796, Orphanet 666, MedGen C0023931, MONDO:0008146, OMIM 166200. Disease mechanism: loss of function.
Ehlers-Danlos syndrome, classic type, 1 (EDSCL1). Also called: EHLERS-DANLOS SYNDROME, GRAVIS TYPE; EHLERS-DANLOS SYNDROME, SEVERE CLASSIC TYPE; EDS I; Ehlers-Danlos Syndrome, Classic Type, COL5A1-Related; Ehlers-Danlos syndrome, type 1. Identifiers: MedGen C0268335, MONDO:0019567, OMIM 130000.
Osteogenesis imperfecta with normal sclerae, dominant form (OI4). Also called: OSTEOGENESIS IMPERFECTA WITH NORMAL SCLERAE; OSTEOGENESIS IMPERFECTA, TYPE IV, WITH DENTINOGENESIS IMPERFECTA; Common Variable Osteogenesis Imperfecta with Normal Sclerae; Osteogenesis Imperfecta Type IV; Osteogenesis imperfecta type 4. Identifiers: Orphanet 216820, Orphanet 666, MedGen C0268363, MONDO:0008148, OMIM 166220.

Submissions (5):

Labcorp Genetics (formerly Invitae), Labcorp
Classification: Pathogenic for Osteogenesis imperfecta type I; Ehlers-Danlos syndrome, classic type, 1. Last evaluated: 2025-07-16. Review status: criteria provided, single submitter. Criteria: Invitae Variant Classification Sherloc (09022015). Collection method: clinical testing. Allele origin: germline.
Comment: This sequence change affects a donor splice site in intron 43 of the COL1A2 gene. It is expected to disrupt RNA splicing. Variants that disrupt the donor or acceptor splice site typically lead to a loss of protein function (PMID: 16199547), and loss-of-function variants in COL1A2 are known to be pathogenic (PMID: 11288717, 15077201). This variant is not present in population databases (gnomAD no frequency). Disruption of this splice site has been observed in individual(s) with autosomal dominant osteogenesis imperfecta (PMID: 15241796, 25944380, 26177859, 29595812). In at least one individual the variant was observed to be de novo. ClinVar contains an entry for this variant (Variation ID: 425653). Algorithms developed to predict the effect of sequence changes on RNA splicing suggest that this variant may disrupt the consensus splice site. For these reasons, this variant has been classified as Pathogenic.

Neuberg Centre For Genomic Medicine, NCGM
Classification: Pathogenic for Osteogenesis imperfecta with normal sclerae, dominant form. Review status: criteria provided, single submitter. Criteria: ACMG Guidelines, 2015. Collection method: clinical testing. Allele origin: germline. Inheritance: Autosomal dominant inheritance. Affected: yes.
Comment: The splice donor c.2835+1G>A variant in the COL1A2 gene has been observed in individuals with autosomal dominant osteogenesis imperfecta Lindahl, Katarina et al., 2015. The variant is novel not in any individuals in gnomAD Exomes and 1000 Genomes. This variant has been reported to the ClinVar database as Pathogenic. The variant is in 43 introns and affects the GT donor splice site downstream of exon 43. Loss of function variants have been previously reported to be disease causing. For these reasons, this variant has been classified as Pathogenic.

Institute Of Reproduction And Development, Obstetrics and Gynecology Hospital, Fudan University
Classification: Pathogenic. Last evaluated: 2021-09-30. Review status: no assertion criteria provided. Collection method: research. Allele origin: germline. Affected: yes. Not counted in ClinVar's aggregate classification.

Department of Medical Sciences, Uppsala University
Classification: Pathogenic for OI type I. Review status: no assertion criteria provided. Collection method: clinical testing. Allele origin: unknown. Affected: yes. Observed: 1 variant allele. Not counted in ClinVar's aggregate classification.

Department of Medical Sciences, Uppsala University
Classification: Pathogenic for OI type IV. Review status: no assertion criteria provided. Collection method: clinical testing. Allele origin: unknown. Affected: yes. Observed: 1 variant allele. Not counted in ClinVar's aggregate classification.

Literature cited by the submitters: PubMed 16199547 (cited by Labcorp Genetics (formerly Invitae), Labcorp); PubMed 11288717 (cited by Labcorp Genetics (formerly Invitae), Labcorp); PubMed 15077201 (cited by Labcorp Genetics (formerly Invitae), Labcorp); PubMed 15241796 (cited by Labcorp Genetics (formerly Invitae), Labcorp); PubMed 25944380 (cited by Labcorp Genetics (formerly Invitae), Labcorp and Department of Medical Sciences, Uppsala University); PubMed 26177859 (cited by Labcorp Genetics (formerly Invitae), Labcorp); PubMed 29595812 (cited by Labcorp Genetics (formerly Invitae), Labcorp).